The following is an entry in ClinVar:

ClinVar aggregate classification (germline): Uncertain significance. Review status: criteria provided, multiple submitters, no conflicts (2 of 4 stars). 2 submissions from 2 submitters: Uncertain significance (2). Last evaluated 2026-03-06.

Conditions:
Inborn genetic diseases. Identifiers: MedGen C0950123, MeSH D030342.
Baller-Gerold syndrome (BGS). Also called: CRANIOSYNOSTOSIS WITH RADIAL DEFECTS. Identifiers: Orphanet 1225, MedGen C0265308, MONDO:0009039, OMIM 218600.

Submissions (2):

Ambry Genetics
Classification: Uncertain significance for Inborn genetic diseases. Last evaluated: 2026-03-06. Review status: criteria provided, single submitter. Criteria: Ambry Variant Classification Scheme 2023. Collection method: clinical testing. Allele origin: germline.
Comment: The p.R375L variant (also known as c.1124G>T), located in coding exon 5 of the RECQL4 gene, results from a G to T substitution at nucleotide position 1124. The arginine at codon 375 is replaced by leucine, an amino acid with dissimilar properties. This amino acid position is conserved. In addition, this alteration is predicted to be tolerated by in silico analysis. Based on the available evidence, the clinical significance of this variant remains unclear.

Labcorp Genetics (formerly Invitae), Labcorp
Classification: Uncertain significance for Baller-Gerold syndrome. Last evaluated: 2022-02-18. Review status: criteria provided, single submitter. Criteria: Invitae Variant Classification Sherloc (09022015). Collection method: clinical testing. Allele origin: germline.
Comment: In summary, the available evidence is currently insufficient to determine the role of this variant in disease. Therefore, it has been classified as a Variant of Uncertain Significance. Experimental studies and prediction algorithms are not available or were not evaluated, and the functional significance of this variant is currently unknown. This variant has not been reported in the literature in individuals affected with RECQL4-related conditions. This variant is not present in population databases (gnomAD no frequency). This sequence change replaces arginine, which is basic and polar, with leucine, which is neutral and non-polar, at codon 375 of the RECQL4 protein (p.Arg375Leu).

NM_004260.4(RECQL4):c.1124G>T (p.Arg375Leu)

Gene: RECQL4 (RecQ like helicase 4; minus strand). Cytogenetic location: 8q24.3.
Variant type: single nucleotide variant.
Coding change: c.1124G>T on transcript NM_004260.4 (MANE Select); coding-DNA position 1124, G replaced by T.
Protein change: p.Arg375Leu; replaces arginine 375 with leucine.
Molecular consequence: missense variant.
Genome position (GRCh38, 1-based): chr8:144,515,995, C>A on the plus strand (G>T on the coding strand, the complement: RECQL4 is on the minus strand). VCF-style: chr8-144515995-C-A. GRCh37 (hg19) VCF-style: chr8-145741379-C-A.
Other names: c.1028G>T, p.Arg343Leu (NM_001413017.1, NM_001413020.1); c.1124G>T, p.Arg375Leu (NM_001413018.1, NM_001413019.1, NM_001413033.1 and 2 more transcripts); c.53G>T, p.Arg18Leu (NM_001413021.1, NM_001413022.1, NM_001413023.1 and 8 more transcripts); c.995G>T, p.Arg332Leu (NM_001413025.1); c.1124G>T (NM_004260.3); c.-10G>T (NM_001413027.1, NM_001413030.1, NM_001413031.1 and 2 more transcripts); c.773G>T, p.Arg258Leu (NM_001413029.1); c.-217G>T (NM_001413043.1); short protein forms R258L, R332L, R18L, R343L, R375L.
Identifiers: ClinVar variation 2098667 (VCV002098667.5), dbSNP rs398124115, ClinGen allele CA372687949.